The following is an entry in ClinVar:

NM_022049.3(GPR88):c.19A>G (p.Thr7Ala)

Gene: GPR88 (G protein-coupled receptor 88; plus strand). Cytogenetic location: 1p21.2.
Variant type: single nucleotide variant.
Coding change: c.19A>G on transcript NM_022049.3 (MANE Select); coding-DNA position 19, A replaced by G.
Protein change: p.Thr7Ala; replaces threonine 7 with alanine.
Molecular consequence: missense variant.
Genome position (GRCh38, 1-based): chr1:100,538,985, A>G. VCF-style: chr1-100538985-A-G. GRCh37 (hg19) VCF-style: chr1-101004541-A-G.
Other names: short protein forms T7A.
Identifiers: ClinVar variation 1489715 (VCV001489715.6), dbSNP rs1651664547, ClinGen allele CA341390934.

ClinVar aggregate classification (germline): Uncertain significance (1 of 4 stars; one submission).

Allele frequency attached by ClinVar (database versions not stated): gnomAD exomes below 0.00001; TOPMed below 0.00001.

Submission:

Labcorp Genetics (formerly Invitae), Labcorp
Classification: Uncertain significance. Last evaluated: 2021-12-02. Review status: criteria provided, single submitter. Criteria: Invitae Variant Classification Sherloc (09022015). Collection method: clinical testing. Allele origin: germline.
Comment: In summary, the available evidence is currently insufficient to determine the role of this variant in disease. Therefore, it has been classified as a Variant of Uncertain Significance. Algorithms developed to predict the effect of missense changes on protein structure and function output the following: SIFT: "Tolerated"; PolyPhen-2: "Not Available"; Align-GVGD: "Class C0". The alanine amino acid residue is found in multiple mammalian species, which suggests that this missense change does not adversely affect protein function. This variant has not been reported in the literature in individuals affected with GPR88-related conditions. This variant is not present in population databases (gnomAD no frequency). This sequence change replaces threonine, which is neutral and polar, with alanine, which is neutral and non-polar, at codon 7 of the GPR88 protein (p.Thr7Ala).